The following is an entry in ClinVar:

ClinVar aggregate classification (germline): Benign/Likely benign. Review status: criteria provided, multiple submitters, no conflicts (2 of 4 stars). 3 submissions from 3 submitters: Benign (1); Likely benign (2). Last evaluated 2024-09-26.

Conditions:
Hereditary cancer-predisposing syndrome. Also called: Hereditary neoplastic syndrome; Neoplastic Syndromes, Hereditary; Tumor predisposition; Hereditary Cancer Syndrome. Identifiers: Orphanet 140162, MedGen C0027672, MeSH D009386, MONDO:0015356.
Melanoma, cutaneous malignant, susceptibility to, 3. Also called: Cutaneous malignant melanoma 3. Identifiers: Orphanet 618, MedGen C1836892, MONDO:0012183, OMIM 609048.

Submissions (3):

Myriad Genetics, Inc.
Classification: Benign for Melanoma, cutaneous malignant, susceptibility to, 3. Last evaluated: 2024-09-26. Review status: criteria provided, single submitter. Criteria: Myriad Autosomal Dominant, Autosomal Recessive and X-Linked Classification Criteria (2023). Collection method: clinical testing. Allele origin: unknown.
Comment: This variant is considered benign. This variant is a silent/synonymous amino acid change and it is not expected to impact splicing.

CeGaT Center for Human Genetics Tuebingen
Classification: Likely benign. Last evaluated: 2024-08-01. Review status: criteria provided, single submitter. Criteria: CeGaT Center For Human Genetics Tuebingen Variant Classification Criteria Version 2. Collection method: clinical testing. Allele origin: germline. Affected: yes. Observed: 1 variant allele.
Comment: CDK4: PM2:Supporting, BP4, BP7

Ambry Genetics
Classification: Likely benign for Hereditary cancer-predisposing syndrome. Last evaluated: 2022-01-18. Review status: criteria provided, single submitter. Criteria: Ambry Variant Classification Scheme 2023. Collection method: clinical testing. Allele origin: germline.

NM_000075.4(CDK4):c.786T>G (p.Pro262=)

Genes: CDK4 (cyclin dependent kinase 4; minus strand), TSPAN31 (tetraspanin 31; plus strand). Cytogenetic location: 12q14.1.
Variant type: single nucleotide variant.
Coding change: c.786T>G on transcript NM_000075.4 (MANE Select); coding-DNA position 786, T replaced by G.
Protein change: p.Pro262=; no amino-acid change (proline 262 retained).
Molecular consequence: synonymous variant. On other transcripts: 3 prime UTR variant (3).
Genome position (GRCh38, 1-based): chr12:57,749,215, A>C on the plus strand (T>G on the coding strand, the complement: CDK4 is on the minus strand). VCF-style: chr12-57749215-A-C. GRCh37 (hg19) VCF-style: chr12-58142998-A-C.
Other names: c.*1925A>C (NM_001330168.2, NM_001330169.2, NM_005981.5).
Identifiers: ClinVar variation 1760967 (VCV001760967.19), dbSNP rs772654769, ClinGen allele CA480299676.